The following is an entry in ClinVar:

ClinVar aggregate classification (germline): Uncertain significance (1 of 4 stars; one submission).

Conditions:
Cystic fibrosis (CF). Also called: MUCOVISCIDOSIS. Identifiers: Orphanet 586, MedGen C0010674, MONDO:0009061, OMIM 219700. Disease mechanism: loss of function.

Allele frequency attached by ClinVar (database versions not stated): TOPMed 0.00001.

Submission:

Labcorp Genetics (formerly Invitae), Labcorp
Classification: Uncertain significance for Cystic fibrosis. Last evaluated: 2022-04-13. Review status: criteria provided, single submitter. Criteria: Invitae Variant Classification Sherloc (09022015). Collection method: clinical testing. Allele origin: germline.
Comment: This sequence change replaces asparagine, which is neutral and polar, with aspartic acid, which is acidic and polar, at codon 415 of the CFTR protein (p.Asn415Asp). This variant is not present in population databases (gnomAD no frequency). This variant has not been reported in the literature in individuals affected with CFTR-related conditions. Algorithms developed to predict the effect of missense changes on protein structure and function (SIFT, PolyPhen-2, Align-GVGD) all suggest that this variant is likely to be tolerated. In summary, the available evidence is currently insufficient to determine the role of this variant in disease. Therefore, it has been classified as a Variant of Uncertain Significance.

NM_000492.4(CFTR):c.1243A>G (p.Asn415Asp)

Genes: CFTR (CF transmembrane conductance regulator; plus strand), CFTR-AS1 (CFTR antisense RNA 1; minus strand). Cytogenetic location: 7q31.2.
Variant type: single nucleotide variant.
Coding change: c.1243A>G on transcript NM_000492.4 (MANE Select); coding-DNA position 1243, A replaced by G.
Protein change: p.Asn415Asp; replaces asparagine 415 with aspartic acid.
Molecular consequence: missense variant.
Genome position (GRCh38, 1-based): chr7:117,548,674, A>G. VCF-style: chr7-117548674-A-G. GRCh37 (hg19) VCF-style: chr7-117188728-A-G.
Other names: short protein forms N415D.
Identifiers: ClinVar variation 2139895 (VCV002139895.1), dbSNP rs1297872811, ClinGen allele CA368981426.